The following is an entry in ClinVar:

NM_003073.5(SMARCB1):c.94G>A (p.Val32Met)

Gene: SMARCB1 (SWI/SNF related BAF chromatin remodeling complex subunit B1; plus strand). Cytogenetic location: 22q11.23.
Variant type: single nucleotide variant.
Coding change: c.94G>A on transcript NM_003073.5 (MANE Select); coding-DNA position 94, G replaced by A.
Protein change: p.Val32Met; replaces valine 32 with methionine.
Molecular consequence: missense variant.
Genome position (GRCh38, 1-based): chr22:23,791,756, G>A. VCF-style: chr22-23791756-G-A. GRCh37 (hg19) VCF-style: chr22-24133943-G-A.
Other names: c.94G>A, p.Val32Met (NM_001007468.3, NM_001317946.2, NM_001362877.2); short protein forms V32M.
Identifiers: ClinVar variation 4292919 (VCV004292919.3).
Genomic context (GRCh38, chr22:23,791,756, plus strand): 5'-ACCCTCCCCTTCCCTGTGGTGCTGCGACCCTTATAATGAGCCTTCTTGCTTTACTCATAG[G>A]TGGGAAACTACCTCCGTATGTTCCGAGGTTCTCTGTACAAGAGATACCCCTCACTCTGGA-3'
Protein context (NP_003064.2, residues 22-42): DGEFYMIGSE[Val32Met]GNYLRMFRGS

ClinVar aggregate classification (germline): Uncertain significance. Review status: criteria provided, multiple submitters, no conflicts (2 of 4 stars). 2 submissions from 2 submitters: Uncertain significance (2). Last evaluated 2026-03-23.

Conditions:
SMARCB1-related disorder. Also called: SMARCB1-related condition; SMARCB1-related disorders.
Hereditary cancer-predisposing syndrome. Also called: Neoplastic Syndromes, Hereditary; Tumor predisposition; Hereditary neoplastic syndrome; Hereditary Cancer Syndrome. Identifiers: Orphanet 140162, MedGen C0027672, MeSH D009386, MONDO:0015356.

Submissions (2):

Ambry Genetics
Classification: Uncertain significance for Hereditary cancer-predisposing syndrome. Last evaluated: 2026-03-23. Review status: criteria provided, single submitter. Criteria: Ambry Variant Classification Scheme 2023. Collection method: clinical testing. Allele origin: germline.
Comment: The p.V32M variant (also known as c.94G>A) is located in coding exon 2 of the SMARCB1 gene. The valine at codon 32 is replaced by methionine, an amino acid with highly similar properties. This change occurs in the first base pair of coding exon 2. This amino acid position is conserved. In addition, this alteration is predicted to be deleterious by in silico analysis. Based on the available evidence, the clinical significance of this variant remains unclear.

3billion
Classification: Uncertain significance for SMARCB1-related disorder. Last evaluated: 2025-05-07. Review status: criteria provided, single submitter. Criteria: ACMG Guidelines, 2015. Collection method: clinical testing. Allele origin: germline. Affected: yes.
Comment: The variant is not observed in the gnomAD v4.1.0 dataset. Predicted Consequence/Location: Missense variant In silico tool predictions suggest damaging effect of the variant on gene or gene product [REVEL: 0.62 (>=0.6, sensitivity 0.68 and specificity 0.92); 3Cnet: 0.98 (> 0.75, sensitivity 0.96 and precision 0.92)]. Therefore, this variant is classified as VUS according to the recommendation of ACMG/AMP guideline.